The following is an entry in ClinVar:

ClinVar aggregate classification (germline): Likely benign (0 of 4 stars; one submission).

Conditions:
MYO7B-related disorder. Also called: MYO7B-related condition.

Allele frequency attached by ClinVar (database versions not stated): ExAC 0.00003; TOPMed 0.00004; gnomAD 0.00006.
gnomAD v4.1: 49 of 1,613,670 alleles (0.003%); highest among the groups gnomAD compares: Middle Eastern, 0.066%; 1 homozygote.

Submission:

PreventionGenetics, part of Exact Sciences
Classification: Likely benign for MYO7B-related condition. Last evaluated: 2019-02-20. Review status: no assertion criteria provided. Collection method: clinical testing. Allele origin: germline.
Comment: This variant is classified as likely benign based on ACMG/AMP sequence variant interpretation guidelines (Richards et al. 2015 PMID: 25741868, with internal and published modifications).

NM_001393586.1(MYO7B):c.909G>A (p.Ser303=)

Gene: MYO7B (myosin VIIB; plus strand). Cytogenetic location: 2q14.3.
Variant type: single nucleotide variant.
Coding change: c.909G>A on transcript NM_001393586.1 (MANE Select); coding-DNA position 909, G replaced by A.
Protein change: p.Ser303=; no amino-acid change (serine 303 retained).
Molecular consequence: synonymous variant.
Genome position (GRCh38, 1-based): chr2:127,578,192, G>A. VCF-style: chr2-127578192-G-A. GRCh37 (hg19) VCF-style: chr2-128335767-G-A.
Other names: c.909G>A, p.Ser303= (NM_001080527.2).
Identifiers: ClinVar variation 3058409 (VCV003058409.2), dbSNP rs762467347, ClinGen allele CA1860602.